The following is an entry in ClinVar:

NM_000212.3(ITGB3):c.2216_2217insAGCA (p.Ile740fs)

Genes: EFCAB13-DT (EFCAB13 divergent transcript; minus strand), ITGB3 (integrin subunit beta 3; plus strand). Cytogenetic location: 17q21.32.
Variant type: Insertion.
Coding change: c.2216_2217insAGCA on transcript NM_000212.3 (MANE Select); coding-DNA positions 2216 to 2217, AGCA inserted.
Protein change: p.Ile740fs; shifts the reading frame from isoleucine 740.
Molecular consequence: frameshift variant.
Genome position: GRCh38 VCF-style: chr17-47307552-T-TAGCA. GRCh37 (hg19) VCF-style: chr17-45384918-T-TAGCA.
Other names: short protein forms I740fs.
Identifiers: ClinVar variation 1684356 (VCV001684356.1), dbSNP rs2143150604, ClinGen allele CA2573154369.

ClinVar aggregate classification (germline): Uncertain significance (0 of 4 stars; one submission).

Conditions:
Glanzmann thrombasthenia 1 (GT1). Also called: BLEEDING DISORDER, PLATELET-TYPE, 2; GP IIb-IIIa COMPLEX DEFICIENCY; GLYCOPROTEIN COMPLEX IIb-IIIa DEFICIENCY; PLATELET FIBRINOGEN RECEPTOR DEFICIENCY. Identifiers: MedGen CN300358, MONDO:0031332, OMIM 273800.

Submission:

ISTH-SSC Genomics in Thrombosis and Hemostasis, KU Leuven, Center for Molecular and Vascular Biology
Classification: Uncertain significance for Glanzmann thrombasthenia 1. Review status: no assertion criteria provided. Collection method: clinical testing. Allele origin: unknown. Affected: yes.
Comment: Submitted to GoldVariant by Prof Kathleen Freson from Center for Molecular and Vascular Biology, Leuven, Belgium